The following is an entry in ClinVar:

ClinVar aggregate classification (germline): Uncertain significance. Review status: criteria provided, multiple submitters, no conflicts (2 of 4 stars). 6 submissions from 6 submitters: Uncertain significance (6). Last evaluated 2025-12-28.

Conditions:
Myofibrillar myopathy 5. Also called: Filaminopathy (type); FILAMINOPATHY, AUTOSOMAL DOMINANT. Identifiers: Orphanet 171445, MedGen C1836050, MONDO:0012289, OMIM 609524.
Distal myopathy with posterior leg and anterior hand involvement. Also called: WILLIAMS DISTAL MYOPATHY. Identifiers: Orphanet 63273, MedGen C3279722, MONDO:0013550, OMIM 614065.
Hypertrophic cardiomyopathy 26. Also called: Cardiomyopathy, familial hypertrophic, 26. Identifiers: Orphanet 75249, MedGen C4310749, MONDO:0014883, OMIM 617047.
Cardiovascular phenotype. Identifiers: MedGen CN230736.
FLNC-related disorder. Also called: FLNC-related condition; FLNC-related disorders.

Allele frequency attached by ClinVar (database versions not stated): gnomAD 0.00001; gnomAD exomes 0.00001; TOPMed 0.00003.
gnomAD v4.1: 22 of 1,613,796 alleles (0.0014%); highest among the groups gnomAD compares: South Asian, 0.0022%; no homozygotes.

Submissions (6):

PreventionGenetics, part of Exact Sciences
Classification: Uncertain significance for FLNC-related condition. Last evaluated: 2025-12-28. Review status: criteria provided, single submitter. Criteria: ACMG Guidelines, 2015. Collection method: clinical testing. Allele origin: germline.
Comment: The FLNC c.3080G>A variant is predicted to result in the amino acid substitution p.Arg1027His. To our knowledge, this variant has not been reported in the literature. This variant is reported in 0.0033% of alleles in individuals of South Asian descent in gnomAD. At this time, the clinical significance of this variant is uncertain due to the absence of conclusive functional and genetic evidence.

Labcorp Genetics (formerly Invitae), Labcorp
Classification: Uncertain significance for Distal myopathy with posterior leg and anterior hand involvement; Myofibrillar myopathy 5; Hypertrophic cardiomyopathy 26. Last evaluated: 2025-04-20. Review status: criteria provided, single submitter. Criteria: Invitae Variant Classification Sherloc (09022015). Collection method: clinical testing. Allele origin: germline.
Comment: This sequence change replaces arginine, which is basic and polar, with histidine, which is basic and polar, at codon 1027 of the FLNC protein (p.Arg1027His). This variant is present in population databases (no rsID available, gnomAD 0.003%). This variant has not been reported in the literature in individuals affected with FLNC-related conditions. ClinVar contains an entry for this variant (Variation ID: 1396811). Invitae Evidence Modeling of protein sequence and biophysical properties (such as structural, functional, and spatial information, amino acid conservation, physicochemical variation, residue mobility, and thermodynamic stability) has been performed for this missense variant. However, the output from this modeling did not meet the statistical confidence thresholds required to predict the impact of this variant on FLNC protein function. In summary, the available evidence is currently insufficient to determine the role of this variant in disease. Therefore, it has been classified as a Variant of Uncertain Significance.

GeneDx
Classification: Uncertain significance. Last evaluated: 2024-12-03. Review status: criteria provided, single submitter. Criteria: GeneDx Variant Classification Process June 2021. Collection method: clinical testing. Allele origin: germline. Affected: yes.
Comment: In silico analysis supports that this missense variant has a deleterious effect on protein structure/function; Has not been previously published as pathogenic or benign to our knowledge

Ambry Genetics
Classification: Uncertain significance for Cardiovascular phenotype. Last evaluated: 2024-04-19. Review status: criteria provided, single submitter. Criteria: Ambry Variant Classification Scheme 2023. Collection method: clinical testing. Allele origin: germline.

Blueprint Genetics
Classification: Uncertain significance. Last evaluated: 2023-10-31. Review status: criteria provided, single submitter. Criteria: ACMG Guidelines, 2015. Collection method: clinical testing. Allele origin: germline.

Revvity Omics, Revvity
Classification: Uncertain significance. Last evaluated: 2022-11-03. Review status: criteria provided, single submitter. Criteria: ACMG Guidelines, 2015. Collection method: clinical testing. Allele origin: germline.

NM_001458.5(FLNC):c.3080G>A (p.Arg1027His)

Gene: FLNC (filamin C; plus strand). Cytogenetic location: 7q32.1.
Variant type: single nucleotide variant.
Coding change: c.3080G>A on transcript NM_001458.5 (MANE Select); coding-DNA position 3080, G replaced by A.
Protein change: p.Arg1027His; replaces arginine 1027 with histidine.
Molecular consequence: missense variant.
Genome position (GRCh38, 1-based): chr7:128,844,154, G>A. VCF-style: chr7-128844154-G-A. GRCh37 (hg19) VCF-style: chr7-128484208-G-A.
Other names: c.3080G>A, p.Arg1027His (NM_001127487.2); short protein forms R1027H.
Identifiers: ClinVar variation 1396811 (VCV001396811.14), dbSNP rs904161285, ClinGen allele CA369194235.
Genomic context (GRCh38, chr7:128,844,154, plus strand): 5'-CTCGCCGGCCCATCCCCTGCAAGCTGGAGCCAGGCGGTGGAGCGGAAGCCCAGGCTGTGC[G>A]CTACATGCCCCCGGAGGAGGGGCCCTACAAGGTGGATATCACCTACGATGGTCACCCGGT-3'
Protein context (NP_001449.3, residues 1017-1037): PGGGAEAQAV[Arg1027His]YMPPEEGPYK